The following is an entry in ClinVar:

NM_004104.5(FASN):c.1321G>A (p.Gly441Ser)

Gene: FASN (fatty acid synthase; minus strand). Cytogenetic location: 17q25.3.
Variant type: single nucleotide variant.
Coding change: c.1321G>A on transcript NM_004104.5 (MANE Select); coding-DNA position 1321, G replaced by A.
Protein change: p.Gly441Ser; replaces glycine 441 with serine.
Molecular consequence: missense variant.
Genome position (GRCh38, 1-based): chr17:82,091,393, C>T on the plus strand (G>A on the coding strand, the complement: FASN is on the minus strand). VCF-style: chr17-82091393-C-T. GRCh37 (hg19) VCF-style: chr17-80049269-C-T.
Other names: short protein forms G441S.
Identifiers: ClinVar variation 530966 (VCV000530966.7), dbSNP rs1332913108, ClinGen allele CA401560687.

ClinVar aggregate classification (germline): Uncertain significance (1 of 4 stars; one submission).

Conditions:
Epileptic encephalopathy. Identifiers: MedGen C0543888, HP:0200134.

Allele frequency attached by ClinVar (database versions not stated): gnomAD exomes below 0.00001; gnomAD 0.00001; TOPMed 0.00001.
gnomAD v4.1: 4 of 1,610,564 alleles (0.00025%); highest among the groups gnomAD compares: Non-Finnish European, 0.00025%; no homozygotes.

Submission:

Labcorp Genetics (formerly Invitae), Labcorp
Classification: Uncertain significance for Epileptic encephalopathy. Last evaluated: 2017-10-10. Review status: criteria provided, single submitter. Criteria: Invitae Variant Classification Sherloc (09022015). Collection method: clinical testing. Allele origin: germline.
Comment: Algorithms developed to predict the effect of missense changes on protein structure and function (SIFT, PolyPhen-2, Align-GVGD) all suggest that this variant is likely to be tolerated, but these predictions have not been confirmed by published functional studies and their clinical significance is uncertain. This variant has not been reported in the literature in individuals with FASN-related disease. This variant is not present in population databases (ExAC no frequency). This sequence change replaces glycine with serine at codon 441 of the FASN protein (p.Gly441Ser). The glycine residue is moderately conserved and there is a small physicochemical difference between glycine and serine. In summary, the available evidence is currently insufficient to determine the role of this variant in disease. Therefore, it has been classified as a Variant of Uncertain Significance.